The following is an entry in ClinVar:

ClinVar aggregate classification (germline): Uncertain significance. Review status: criteria provided, multiple submitters, no conflicts (2 of 4 stars). 2 submissions from 2 submitters: Uncertain significance (2). Last evaluated 2025-05-23.

Conditions:
Inborn genetic diseases. Identifiers: MedGen C0950123, MeSH D030342.

Allele frequency attached by ClinVar (database versions not stated): gnomAD 0.00002 and 0.00003; gnomAD exomes 0.00003 and 0.00004; TOPMed 0.00003; 1000 Genomes Project 30x 0.00031; ExAC 0.00003.
gnomAD v4.1: 55 of 1,612,862 alleles (0.0034%); highest among the groups gnomAD compares: Non-Finnish European, 0.0042%; no homozygotes.

Submissions (2):

Ambry Genetics
Classification: Uncertain significance for Inborn genetic diseases. Last evaluated: 2025-05-23. Review status: criteria provided, single submitter. Criteria: Ambry Variant Classification Scheme 2023. Collection method: clinical testing. Allele origin: germline.

GeneDx
Classification: Uncertain significance. Last evaluated: 2025-02-03. Review status: criteria provided, single submitter. Criteria: GeneDx Variant Classification Process June 2021. Collection method: clinical testing. Allele origin: germline. Affected: yes.
Comment: In silico analysis supports that this missense variant has a deleterious effect on protein structure/function; Has not been previously published as pathogenic or benign to our knowledge

NM_031475.3(ESPN):c.415G>A (p.Ala139Thr)

Gene: ESPN (espin; plus strand). Cytogenetic location: 1p36.31.
Variant type: single nucleotide variant.
Coding change: c.415G>A on transcript NM_031475.3 (MANE Select); coding-DNA position 415, G replaced by A.
Protein change: p.Ala139Thr; replaces alanine 139 with threonine.
Molecular consequence: missense variant.
Genome position (GRCh38, 1-based): chr1:6,428,346, G>A. VCF-style: chr1-6428346-G-A. GRCh37 (hg19) VCF-style: chr1-6488406-G-A.
Other names: c.415G>A, p.Ala139Thr (NM_001367473.1, NM_001367474.1); short protein forms A139T.
Identifiers: ClinVar variation 1312642 (VCV001312642.4), dbSNP rs756669745, ClinGen allele CA559887.
Genomic context (GRCh38, chr1:6,428,346, plus strand): 5'-GTGGTGAACTGGCTCTTGCATCATGGCGGTGGGGACCCCACCGCGGCCACAGACATGGGC[G>A]CCCTGCCTATCCACTACGCTGCCGCCAAAGGAGACTTCCCCTCCCTGAGGCTTCTCGTCG-3'
Protein context (NP_113663.2, residues 129-149): GDPTAATDMG[Ala139Thr]LPIHYAAAKG